The following is an entry in ClinVar:

ClinVar aggregate classification (germline): Pathogenic (1 of 4 stars; one submission).

Conditions:
Ataxia-telangiectasia syndrome (AT). Also called: Ataxia-telangiectasia, complementation group D; AT, COMPLEMENTATION GROUP C; ATAXIA-TELANGIECTASIA, COMPLEMENTATION GROUP A; ATAXIA-TELANGIECTASIA, FRESNO VARIANT; Ataxia-telangiectasia; Ataxia-telangiectasia, complementation group E. Identifiers: Orphanet 100, MedGen C0004135, MONDO:0008840, OMIM 208900.

Submission:

Labcorp Genetics (formerly Invitae), Labcorp
Classification: Pathogenic for Ataxia-telangiectasia syndrome. Last evaluated: 2025-11-10. Review status: criteria provided, single submitter. Criteria: Invitae Variant Classification Sherloc (09022015). Collection method: clinical testing. Allele origin: germline.
Comment: This sequence change creates a premature translational stop signal (p.Trp2205Glyfs*30) in the ATM gene. It is expected to result in an absent or disrupted protein product. Loss-of-function variants in ATM are known to be pathogenic (PMID: 23807571, 25614872). This variant is not present in population databases (gnomAD no frequency). This variant has not been reported in the literature in individuals affected with ATM-related conditions. Algorithms developed to predict the effect of sequence changes on RNA splicing suggest that this variant may create or strengthen a splice site. For these reasons, this variant has been classified as Pathogenic.

Literature cited by the submitters: PubMed 23807571; PubMed 25614872.

NM_000051.4(ATM):c.6613del (p.Trp2205fs)

Genes: ATM (ATM serine/threonine kinase; plus strand), C11orf65 (chromosome 11 open reading frame 65; minus strand). Cytogenetic location: 11q22.3.
Variant type: Deletion.
Coding change: c.6613del on transcript NM_000051.4 (MANE Select); coding-DNA position 6613, one base deleted (T; older notation c.6613delT).
Protein change: p.Trp2205fs; shifts the reading frame from tryptophan 2205.
Molecular consequence: frameshift variant. On other transcripts: intron variant (2).
Genome position (GRCh38, 1-based): chr11:108,325,350, T deleted. VCF-style (leftmost placement, unchanged base first): chr11-108325349-GT-G. GRCh37 (hg19) VCF-style: chr11-108196076-GT-G.
Other names: c.6613del, p.Trp2205fs (NM_001351834.2); c.641-16279del (NM_001330368.2); c.*38+9870del (NM_001351110.2); short protein forms W2205fs.
Identifiers: ClinVar variation 4730874 (VCV004730874.1).